The following is an entry in ClinVar:

ClinVar aggregate classification (germline): Likely pathogenic (1 of 4 stars; one submission).

Conditions:
VPS13A-related neurodegenerative disease. Also called: LEVINE-CRITCHLEY SYNDROME; Choreaacanthocytosis; ACANTHOCYTOSIS WITH NEUROLOGIC DISORDER; Choreoacanthocytosis; Chorea-acanthocytosis; VPS13A Disease. Identifiers: Orphanet 2388, MedGen C0393576, MONDO:0008695, OMIM 200150.

Submission:

Natera, Inc.
Classification: Likely pathogenic for Choreaacanthocytosis. Last evaluated: 2024-11-22. Review status: criteria provided, single submitter. Criteria: Natera Variant Classification Schema (03/2026). Collection method: clinical testing. Allele origin: germline.
Comment: The c.8789_8794delAGGGGGinsCCCTTAGCACCTATGCTACCATAGCAGCTATGACCATGGATGCTTGGTCCTTAGCACCATAGCTACCCA variant in VPS13A is a deletion-insertion (delins) variant predicted to replace one or more nucleotides with a different sequence. This variant is expected to result in nonsense mediated decay, truncation, or a dysfunctional protein product. This variant is rare in the general population with a frequency below the threshold expected for the associated phenotype(s). Given the available evidence, this variant is classified as Likely Pathogenic.

NM_033305.3(VPS13A):c.8789_8794delinsCCCTTAGCACCTATGCTACCATAGCAGCTATGACCATGGATGCTTGGTCCTTAGCACCATAGCTACCCA (p.Lys2930_Val2932delinsThrLeuSerThrTyrAlaThrIleAlaAlaMetThrMetAspAlaTrpSerLeuAlaProTer)

Gene: VPS13A (vacuolar protein sorting 13 homolog A; plus strand). Cytogenetic location: 9q21.2.
Variant type: Indel.
Coding change: c.8789_8794delinsCCCTTAGCACCTATGCTACCATAGCAGCTATGACCATGGATGCTTGGTCCTTAGCACCATAGCTACCCA on transcript NM_033305.3 (MANE Select); coding-DNA positions 8789 to 8794, the reference bases replaced by an inserted sequence.
Protein change: p.Lys2930_Val2932delinsThrLeuSerThrTyrAlaThrIleAlaAlaMetThrMetAspAlaTrpSerLeuAlaProTer.
Molecular consequence: nonsense.
Genome position (GRCh38, 1-based): chr9:77,370,460-77,370,465, 6 bases replaced. GRCh37 (hg19): chr9:79,985,376-79,985,381.
Other names: c.8672_8677delinsCCCTTAGCACCTATGCTACCATAGCAGCTATGACCATGGATGCTTGGTCCTTAGCACCATAGCTACCCA, p.Lys2891_Val2893delinsThrLeuSerThrTyrAlaThrIleAlaAlaMetThrMetAspAlaTrpSerLeuAlaProTer (NM_001018037.2); c.8789_8794delinsCCCTTAGCACCTATGCTACCATAGCAGCTATGACCATGGATGCTTGGTCCTTAGCACCATAGCTACCCA, p.Lys2930_Val2932delinsThrLeuSerThrTyrAlaThrIleAlaAlaMetThrMetAspAlaTrpSerLeuAlaProTer (NM_001018038.3, NM_015186.4).
Identifiers: ClinVar variation 4816431 (VCV004816431.1).